The following is an entry in ClinVar:

ClinVar aggregate classification (germline): Uncertain significance (1 of 4 stars; one submission).

Submission:

Ambry Genetics
Classification: Uncertain significance. Last evaluated: 2025-10-24. Review status: criteria provided, single submitter. Criteria: Ambry Variant Classification Scheme 2023. Collection method: clinical testing. Allele origin: germline.
Comment: The c.1099C>T (p.P367S) alteration is located in exon 5 (coding exon 5) of the ACR gene. This alteration results from a C to T substitution at nucleotide position 1099, causing the proline (P) at amino acid position 367 to be replaced by a serine (S). Based on data from gnomAD, the T allele has an overall frequency of 0.004% (2/56210) total alleles studied. The highest observed frequency was 0.031% (2/6412) of South Asian alleles. Based on insufficient or conflicting evidence, the clinical significance of this alteration remains unclear.

NM_001097.3(ACR):c.1099C>T (p.Pro367Ser)

Gene: ACR (acrosin; plus strand). Cytogenetic location: 22q13.33.
Variant type: single nucleotide variant.
Coding change: c.1099C>T on transcript NM_001097.3 (MANE Select); coding-DNA position 1099, C replaced by T.
Protein change: p.Pro367Ser; replaces proline 367 with serine.
Molecular consequence: missense variant.
Genome position (GRCh38, 1-based): chr22:50,745,040, C>T. VCF-style: chr22-50745040-C-T. GRCh37 (hg19) VCF-style: chr22-51183468-C-T.
Other names: short protein forms P367S.
Identifiers: ClinVar variation 4636925 (VCV004636925.1).